The following is an entry in ClinVar:

ClinVar aggregate classification (germline): Uncertain significance (1 of 4 stars; one submission).

Conditions:
Citrullinemia. Identifiers: Orphanet 187, MedGen C0175683, MONDO:0015991.

Submission:

Labcorp Genetics (formerly Invitae), Labcorp
Classification: Uncertain significance for Citrullinemia. Last evaluated: 2025-09-10. Review status: criteria provided, single submitter. Criteria: Invitae Variant Classification Sherloc (09022015). Collection method: clinical testing. Allele origin: germline.
Comment: This sequence change falls in intron 9 of the ASS1 gene. It does not directly change the encoded amino acid sequence of the ASS1 protein. It affects a nucleotide within the consensus splice site. This variant is not present in population databases (gnomAD no frequency). This variant has not been reported in the literature in individuals affected with ASS1-related conditions. Variants that disrupt the consensus splice site are a relatively common cause of aberrant splicing (PMID: 17576681, 9536098). Algorithms developed to predict the effect of sequence changes on RNA splicing suggest that this variant is not likely to affect RNA splicing. In summary, the available evidence is currently insufficient to determine the role of this variant in disease. Therefore, it has been classified as a Variant of Uncertain Significance.

Literature cited by the submitters: PubMed 17576681; PubMed 9536098.

NM_054012.4(ASS1):c.597+6C>T

Gene: ASS1 (argininosuccinate synthase 1; plus strand). Cytogenetic location: 9q34.11.
Variant type: single nucleotide variant.
Coding change: c.597+6C>T on transcript NM_054012.4 (MANE Select); 6 bases into the intron after coding-DNA position 597, C replaced by T.
Molecular consequence: intron variant.
Genome position (GRCh38, 1-based): chr9:130,471,521, C>T. VCF-style: chr9-130471521-C-T. GRCh37 (hg19) VCF-style: chr9-133346908-C-T.
Other names: c.597+6C>T (NM_000050.4).
Identifiers: ClinVar variation 4748070 (VCV004748070.1).
Genomic context (GRCh38, chr9:130,471,521, plus strand): 5'-CTGTCTTTCCTTTCCCCTCCGCAGCTACGAGGCTGGAATCCTGGAGAACCCCAAGGTAAT[C>T]CCCCAAACCCCATCTCCTCCCAGCTGGCCACCTTTGGTGGTAGCAGCTCCATGCCGATGC-3'